The following is an entry in ClinVar:

NM_025114.4(CEP290):c.496-269G>T

Gene: CEP290 (centrosomal protein 290; minus strand). Cytogenetic location: 12q21.32.
Variant type: single nucleotide variant.
Coding change: c.496-269G>T on transcript NM_025114.4 (MANE Select); 269 bases into the intron before coding-DNA position 496, G replaced by T.
Molecular consequence: intron variant.
Genome position (GRCh38, 1-based): chr12:88,130,834, C>A on the plus strand (G>T on the coding strand, the complement: CEP290 is on the minus strand). VCF-style: chr12-88130834-C-A. GRCh37 (hg19) VCF-style: chr12-88524611-C-A.
Other names: NC_000012.11:g.88524611C>A.
Identifiers: ClinVar variation 675582 (VCV000675582.2), dbSNP rs7310461, ClinGen allele CA241158229.
Genomic context (GRCh38, chr12:88,130,834, plus strand): 5'-ATGTACAAACATTATTTGGCTCAGTAGAACCAAATGATAATCAGAATTTATAAGATTCCA[C>A]AAGTAACAAAAAATTTTAAAGGATTCTGGGTAAGAGAAATAAGAATAGAAATCCAGTCAT-3'

ClinVar aggregate classification (germline): Benign (1 of 4 stars; one submission).

Allele frequency attached by ClinVar (database versions not stated): TOPMed 0.10137; 1000 Genomes Project 0.09964; gnomAD 0.09367 and 0.09932; 1000 Genomes Project 30x 0.10212.
gnomAD v4.1: 14,107 of 151,818 alleles (9.3%); highest among the groups gnomAD compares: African/African-American, 28%; 1,659 homozygotes.

Submissions (10):

GeneDx
Classification: Benign. Last evaluated: 2018-06-16. Review status: criteria provided, single submitter. Criteria: GeneDx Variant Classification (06012015). Collection method: clinical testing. Allele origin: germline. Affected: yes.
Comment: This variant is considered likely benign or benign based on one or more of the following criteria: it is a conservative change, it occurs at a poorly conserved position in the protein, it is predicted to be benign by multiple in silico algorithms, and/or has population frequency not consistent with disease.

Dr. Peter K. Rogan Lab, Western University
No classification provided (evidence only). Condition: Uterine corpus endometrial carcinoma. Review status: no classification provided. Collection method: in vitro. Allele origin: not applicable. Functional consequence: retained intron. Not counted in ClinVar's aggregate classification.

Dr. Peter K. Rogan Lab, Western University
No classification provided (evidence only). Condition: Uterine corpus endometrial carcinoma. Review status: no classification provided. Collection method: in vitro. Allele origin: not applicable. Functional consequence: retained intron. Not counted in ClinVar's aggregate classification.

Dr. Peter K. Rogan Lab, Western University
No classification provided (evidence only). Condition: Uterine corpus endometrial carcinoma. Review status: no classification provided. Collection method: in vitro. Allele origin: not applicable. Functional consequence: skipped exon. Not counted in ClinVar's aggregate classification.

Dr. Peter K. Rogan Lab, Western University
No classification provided (evidence only). Condition: Uterine corpus endometrial carcinoma. Review status: no classification provided. Collection method: in vitro. Allele origin: not applicable. Functional consequence: retained intron. Not counted in ClinVar's aggregate classification.

Dr. Peter K. Rogan Lab, Western University
No classification provided (evidence only). Condition: Malignant lymphoma, large B-cell, diffuse. Review status: no classification provided. Collection method: in vitro. Allele origin: not applicable. Functional consequence: retained intron. Not counted in ClinVar's aggregate classification.

Dr. Peter K. Rogan Lab, Western University
No classification provided (evidence only). Condition: Thymoma. Review status: no classification provided. Collection method: in vitro. Allele origin: not applicable. Functional consequence: skipped exon. Not counted in ClinVar's aggregate classification.

Dr. Peter K. Rogan Lab, Western University
No classification provided (evidence only). Condition: Thymoma. Review status: no classification provided. Collection method: in vitro. Allele origin: not applicable. Functional consequence: retained intron. Not counted in ClinVar's aggregate classification.

Dr. Peter K. Rogan Lab, Western University
No classification provided (evidence only). Condition: Cholangiocarcinoma. Review status: no classification provided. Collection method: in vitro. Allele origin: not applicable. Functional consequence: retained intron. Not counted in ClinVar's aggregate classification.

Dr. Peter K. Rogan Lab, Western University
No classification provided (evidence only). Condition: Cholangiocarcinoma. Review status: no classification provided. Collection method: in vitro. Allele origin: not applicable. Functional consequence: skipped exon. Not counted in ClinVar's aggregate classification.